The following is an entry in ClinVar:

ClinVar aggregate classification (germline): Uncertain significance (1 of 4 stars; one submission).

gnomAD v4.1: 1 of 1,614,202 alleles (0.000062%); highest among the groups gnomAD compares: Non-Finnish European, 0.000085%; no homozygotes.

Submission:

Labcorp Genetics (formerly Invitae), Labcorp
Classification: Uncertain significance. Last evaluated: 2022-03-10. Review status: criteria provided, single submitter. Criteria: Invitae Variant Classification Sherloc (09022015). Collection method: clinical testing. Allele origin: germline.
Comment: In summary, the available evidence is currently insufficient to determine the role of this variant in disease. Therefore, it has been classified as a Variant of Uncertain Significance. Algorithms developed to predict the effect of missense changes on protein structure and function output the following: SIFT: "Deleterious"; PolyPhen-2: "Benign"; Align-GVGD: "Class C0". The serine amino acid residue is found in multiple mammalian species, which suggests that this missense change does not adversely affect protein function. ClinVar contains an entry for this variant (Variation ID: 1058402). This variant has not been reported in the literature in individuals affected with IMPDH1-related conditions. This variant is not present in population databases (gnomAD no frequency). This sequence change replaces arginine, which is basic and polar, with serine, which is neutral and polar, at codon 62 of the IMPDH1 protein (p.Arg62Ser).

NM_000883.4(IMPDH1):c.184C>A (p.Arg62Ser)

Gene: IMPDH1 (inosine monophosphate dehydrogenase 1; minus strand). Cytogenetic location: 7q32.1.
Variant type: single nucleotide variant.
Coding change: c.184C>A on transcript NM_000883.4 (MANE Select); coding-DNA position 184, C replaced by A.
Protein change: p.Arg62Ser; replaces arginine 62 with serine.
Molecular consequence: missense variant. On other transcripts: intron variant (3).
Genome position (GRCh38, 1-based): chr7:128,409,447, G>T on the plus strand (C>A on the coding strand, the complement: IMPDH1 is on the minus strand). VCF-style: chr7-128409447-G-T. GRCh37 (hg19) VCF-style: chr7-128049501-G-T.
Other names: c.184C>A, p.Arg62Ser (NM_001142576.2); c.146+309C>A (NM_001304521.2, NM_183243.3); c.147-81C>A (NM_001102605.2); short protein forms R62S.
Identifiers: ClinVar variation 1058402 (VCV001058402.7), dbSNP rs926912595, ClinGen allele CA369181249.